The following is an entry in ClinVar:

ClinVar aggregate classification (germline): Pathogenic (1 of 4 stars; one submission).

Conditions:
ADNP-related multiple congenital anomalies - intellectual disability - autism spectrum disorder. Also called: Helsmoortel-Van der Aa Syndrome; ADNP-Related Helsmoortel-Van der Aa Syndrome. Identifiers: Orphanet 404448, MedGen C4014538, MONDO:0014379, OMIM 615873. Disease mechanism: loss of function.

Submission:

Imagene.me medical diagnostic laboratory, IMAGENE.ME SA
Classification: Pathogenic for ADNP-related multiple congenital anomalies - intellectual disability - autism spectrum disorder. Review status: criteria provided, single submitter. Criteria: IMAGENE.ME Variant Classification SOP 2022. Collection method: clinical testing. Allele origin: de novo. Affected: yes.
Comment: Classified according to the IMAGENE.ME variant classification SOP based on the ACMG guidelines as Pathogenic (P): PVS1_Strong + PS2 + PM2 + PP4_Moderate

NM_001282531.3(ADNP):c.362T>A (p.Leu121Ter)

Gene: ADNP (activity dependent neuroprotector homeobox; minus strand). Cytogenetic location: 20q13.13.
Variant type: single nucleotide variant.
Coding change: c.362T>A on transcript NM_001282531.3 (MANE Select); coding-DNA position 362, T replaced by A.
Protein change: p.Leu121Ter; replaces leucine 121 with a stop codon.
Molecular consequence: nonsense. On other transcripts: 5 prime UTR variant (1).
Genome position (GRCh38, 1-based): chr20:50,894,352, A>T on the plus strand (T>A on the coding strand, the complement: ADNP is on the minus strand). VCF-style: chr20-50894352-A-T. GRCh37 (hg19) VCF-style: chr20-49510889-A-T.
Other names: c.362T>A, p.Leu121Ter (NM_001282532.2, NM_001347511.2, NM_015339.5 and 1 more transcripts); c.578T>A, p.Leu193Ter (NM_001439000.1); c.-323T>A (NM_001439001.1); short protein forms L121*, L193*.
Identifiers: ClinVar variation 4685491 (VCV004685491.1).